The following is an entry in ClinVar:

NM_000271.5(NPC1):c.1026G>A (p.Trp342Ter)

Gene: NPC1 (NPC intracellular cholesterol transporter 1; minus strand). Cytogenetic location: 18q11.2.
Variant type: single nucleotide variant.
Coding change: c.1026G>A on transcript NM_000271.5 (MANE Select); coding-DNA position 1026, G replaced by A.
Protein change: p.Trp342Ter; replaces tryptophan 342 with a stop codon.
Molecular consequence: nonsense.
Genome position (GRCh38, 1-based): chr18:23,556,543, C>T on the plus strand (G>A on the coding strand, the complement: NPC1 is on the minus strand). VCF-style: chr18-23556543-C-T. GRCh37 (hg19) VCF-style: chr18-21136507-C-T.
Other names: short protein forms W342*.
Identifiers: ClinVar variation 2134612 (VCV002134612.4), dbSNP rs2511284626, ClinGen allele CA401778812.

ClinVar aggregate classification (germline): Pathogenic (1 of 4 stars; one submission).

Conditions:
Niemann-Pick disease, type C1. Also called: NEUROVISCERAL STORAGE DISEASE WITH VERTICAL SUPRANUCLEAR OPHTHALMOPLEGIA; NIEMANN-PICK DISEASE WITH CHOLESTEROL ESTERIFICATION BLOCK; NIEMANN-PICK DISEASE WITHOUT SPHINGOMYELINASE DEFICIENCY; NIEMANN-PICK DISEASE, CHRONIC NEURONOPATHIC FORM; NIEMANN-PICK DISEASE, VARIANT TYPE C1. Identifiers: Orphanet 646, MedGen C3179455, MONDO:0009757, OMIM 257220.

Submission:

Labcorp Genetics (formerly Invitae), Labcorp
Classification: Pathogenic for Niemann-Pick disease, type C1. Last evaluated: 2022-05-06. Review status: criteria provided, single submitter. Criteria: Invitae Variant Classification Sherloc (09022015). Collection method: clinical testing. Allele origin: germline.
Comment: For these reasons, this variant has been classified as Pathogenic. This variant has not been reported in the literature in individuals affected with NPC1-related conditions. This variant is not present in population databases (gnomAD no frequency). This sequence change creates a premature translational stop signal (p.Trp342*) in the NPC1 gene. It is expected to result in an absent or disrupted protein product. Loss-of-function variants in NPC1 are known to be pathogenic (PMID: 9211850).

Literature cited by the submitters: PubMed 9211850.